The following is an entry in ClinVar:

ClinVar aggregate classification (germline): Pathogenic/Likely pathogenic. Review status: criteria provided, multiple submitters, no conflicts (2 of 4 stars). 2 submissions from 2 submitters: Pathogenic (1); Likely pathogenic (1). Last evaluated 2025-03-17.

Allele frequency attached by ClinVar (database versions not stated): gnomAD exomes below 0.00001; gnomAD 0.00001; TOPMed 0.00001.

Submissions (2):

Labcorp Genetics (formerly Invitae), Labcorp
Classification: Likely pathogenic. Last evaluated: 2025-03-17. Review status: criteria provided, single submitter. Criteria: Invitae Variant Classification Sherloc (09022015). Collection method: clinical testing. Allele origin: germline.
Comment: This sequence change affects a donor splice site in intron 6 of the ENPP1 gene. It is expected to disrupt RNA splicing. Variants that disrupt the donor or acceptor splice site typically lead to a loss of protein function (PMID: 16199547), and loss-of-function variants in ENPP1 are known to be pathogenic (PMID: 12881724, 15605415, 16369898, 20016754, 20137773, 22539483). This variant is not present in population databases (gnomAD no frequency). Disruption of this splice site has been observed in individual(s) with autosomal recessive ENPP1-related conditions (PMID: 33465815). ClinVar contains an entry for this variant (Variation ID: 2142039). Algorithms developed to predict the effect of sequence changes on RNA splicing suggest that this variant may disrupt the consensus splice site. In summary, the currently available evidence indicates that the variant is pathogenic, but additional data are needed to prove that conclusively. Therefore, this variant has been classified as Likely Pathogenic.

Mayo Clinic Laboratories, Mayo Clinic
Classification: Pathogenic. Last evaluated: 2024-09-25. Review status: criteria provided, single submitter. Criteria: ACMG Guidelines, 2015. Collection method: clinical testing. Allele origin: germline. Observed: 1 variant allele.
Comment: PP4, PM2, PVS1_strong

Literature cited by the submitters: PubMed 16199547 (cited by Labcorp Genetics (formerly Invitae), Labcorp); PubMed 12881724 (cited by Labcorp Genetics (formerly Invitae), Labcorp); PubMed 15605415 (cited by Labcorp Genetics (formerly Invitae), Labcorp); PubMed 16369898 (cited by Labcorp Genetics (formerly Invitae), Labcorp); PubMed 20016754 (cited by Labcorp Genetics (formerly Invitae), Labcorp); PubMed 20137773 (cited by Labcorp Genetics (formerly Invitae), Labcorp); PubMed 22539483 (cited by Labcorp Genetics (formerly Invitae), Labcorp); PubMed 33465815 (cited by Labcorp Genetics (formerly Invitae), Labcorp and Mayo Clinic Laboratories, Mayo Clinic).

NM_006208.3(ENPP1):c.715+1G>C

Gene: ENPP1 (ectonucleotide pyrophosphatase/phosphodiesterase 1; plus strand). Cytogenetic location: 6q23.2.
Variant type: single nucleotide variant.
Coding change: c.715+1G>C on transcript NM_006208.3 (MANE Select); the canonical splice donor site of the intron after coding-DNA position 715, G replaced by C.
Molecular consequence: splice donor variant.
Genome position (GRCh38, 1-based): chr6:131,855,024, G>C. VCF-style: chr6-131855024-G-C. GRCh37 (hg19) VCF-style: chr6-132176164-G-C.
Identifiers: ClinVar variation 2142039 (VCV002142039.5), dbSNP rs1401078432, ClinGen allele CA365664430.